The following is an entry in ClinVar:

ClinVar aggregate classification (germline): Uncertain significance. Review status: criteria provided, multiple submitters, no conflicts (2 of 4 stars). 3 submissions from 3 submitters: Uncertain significance (3). Last evaluated 2025-06-13.

Conditions:
Spastic paraplegia. Identifiers: MedGen C0037772, HP:0001258.
Inborn genetic diseases. Identifiers: MedGen C0950123, MeSH D030342.

Allele frequency attached by ClinVar (database versions not stated): gnomAD exomes 0.00001 and 0.00002; TOPMed 0.00002; ExAC 0.00002; gnomAD 0.00002.

Submissions (3):

GeneDx
Classification: Uncertain significance. Last evaluated: 2025-06-13. Review status: criteria provided, single submitter. Criteria: GeneDx Variant Classification Process June 2021. Collection method: clinical testing. Allele origin: germline. Affected: yes.
Comment: Not observed at significant frequency in large population cohorts (gnomAD); In silico analysis supports that this missense variant has a deleterious effect on protein structure/function; Has not been previously published as pathogenic or benign to our knowledge

Ambry Genetics
Classification: Uncertain significance for Inborn genetic diseases. Last evaluated: 2025-04-20. Review status: criteria provided, single submitter. Criteria: Ambry Variant Classification Scheme 2023. Collection method: clinical testing. Allele origin: germline.

Labcorp Genetics (formerly Invitae), Labcorp
Classification: Uncertain significance for Spastic paraplegia. Last evaluated: 2024-01-19. Review status: criteria provided, single submitter. Criteria: Invitae Variant Classification Sherloc (09022015). Collection method: clinical testing. Allele origin: germline.
Comment: This sequence change replaces tyrosine, which is neutral and polar, with cysteine, which is neutral and slightly polar, at codon 147 of the B4GALNT1 protein (p.Tyr147Cys). This variant is present in population databases (rs751949502, gnomAD 0.005%). This variant has not been reported in the literature in individuals affected with B4GALNT1-related conditions. ClinVar contains an entry for this variant (Variation ID: 565398). Advanced modeling of protein sequence and biophysical properties (such as structural, functional, and spatial information, amino acid conservation, physicochemical variation, residue mobility, and thermodynamic stability) performed at Invitae indicates that this missense variant is expected to disrupt B4GALNT1 protein function with a positive predictive value of 80%. In summary, the available evidence is currently insufficient to determine the role of this variant in disease. Therefore, it has been classified as a Variant of Uncertain Significance.

NM_001478.5(B4GALNT1):c.440A>G (p.Tyr147Cys)

Gene: B4GALNT1 (beta-1,4-N-acetyl-galactosaminyltransferase 1; minus strand). Cytogenetic location: 12q13.3.
Variant type: single nucleotide variant.
Coding change: c.440A>G on transcript NM_001478.5 (MANE Select); coding-DNA position 440, A replaced by G.
Protein change: p.Tyr147Cys; replaces tyrosine 147 with cysteine.
Molecular consequence: missense variant.
Genome position (GRCh38, 1-based): chr12:57,631,030, T>C on the plus strand (A>G on the coding strand, the complement: B4GALNT1 is on the minus strand). VCF-style: chr12-57631030-T-C. GRCh37 (hg19) VCF-style: chr12-58024813-T-C.
Other names: c.275A>G, p.Tyr92Cys (NM_001276468.2); c.440A>G, p.Tyr147Cys (NM_001276469.2); c.440A>G (NM_001478.3); short protein forms Y147C, Y92C.
Identifiers: ClinVar variation 565398 (VCV000565398.13), dbSNP rs751949502, ClinGen allele CA6655772.